The following is an entry in ClinVar:

NM_001042492.3(NF1):c.5460dup (p.Val1821fs)

Gene: NF1 (neurofibromin 1; plus strand). Cytogenetic location: 17q11.2.
Variant type: Duplication.
Coding change: c.5460dup on transcript NM_001042492.3 (MANE Select); coding-DNA position 5460, one base duplicated (T; older notation c.5460dupT).
Protein change: p.Val1821fs; shifts the reading frame from valine 1821.
Molecular consequence: frameshift variant.
Genome position (GRCh38, 1-based): chr17:31,327,690, T duplicated; the last of 2 consecutive T bases (chr17:31,327,689-31,327,690); duplicating either gives the same sequence. VCF-style (leftmost placement, unchanged base first): chr17-31327688-A-AT. GRCh37 (hg19) VCF-style: chr17-29654706-A-AT.
Other names: c.5397dupT (NM_000267.3); c.5397dup, p.Val1800Cysfs (NM_000267.4); short protein forms V1800fs, V1821fs.
Identifiers: ClinVar variation 1451823 (VCV001451823.7), dbSNP rs2151541422, ClinGen allele CA2573153405.

ClinVar aggregate classification (germline): Pathogenic. Review status: criteria provided, multiple submitters, no conflicts (2 of 4 stars). 2 submissions from 2 submitters: Pathogenic (2). Last evaluated 2022-09-13.

Conditions:
Neurofibromatosis, type 1 (NF1). Also called: Peripheral type neurofibromatosis; VON RECKLINGHAUSEN DISEASE; NEUROFIBROMATOSIS, TYPE I, SOMATIC; Neurofibromatosis, type I. Identifiers: Orphanet 636, MedGen C0027831, MONDO:0018975, OMIM 162200. Disease mechanism: loss of function.

Submissions (2):

Clinical Genomics Laboratory, Stanford Medicine
Classification: Pathogenic for Neurofibromatosis, type 1. Last evaluated: 2022-09-13. Review status: criteria provided, single submitter. Criteria: ACMG Guidelines, 2015. Collection method: clinical testing. Allele origin: germline. Inheritance: Autosomal dominant inheritance. Affected: yes. Observed: 2 variant alleles, 2 heterozygotes. Clinical features observed: NF1, autism, intellectual disability with episodic global regression.
Comment: The p.Val1800Cysfs*41 variant in the NF1 gene has not been previously reported in association with disease. This variant was absent from large population databases, including the Genome Aggregation Database. This variant is present in ClinVar (Accession: VCV001451823.6). The p.Val1800Cysfs*41 variant results in a 1 bp duplication in exon 37 of 57 exons, causing a shift in the protein reading frame and leading to a premature termination codon 41 amino acids downstream. This variant is therefore predicted to undergo nonsense-mediated decay resulting in a truncated or absent protein. Heterozygous loss of function is an established mechanism of disease for the NF1 gene. These data were assessed using the ACMG/AMP variant interpretation guidelines. In summary, there is sufficient evidence to classify the p.Val1800Cysfs*41 variant as pathogenic for autosomal dominant neurofibromatosis type 1 based on the information above. [ACMG evidence codes used: PVS1; PM2; PS4_Supporting]

Labcorp Genetics (formerly Invitae), Labcorp
Classification: Pathogenic for Neurofibromatosis, type 1. Last evaluated: 2021-11-22. Review status: criteria provided, single submitter. Criteria: Invitae Variant Classification Sherloc (09022015). Collection method: clinical testing. Allele origin: germline.
Comment: This sequence change creates a premature translational stop signal (p.Val1800Cysfs*41) in the NF1 gene. It is expected to result in an absent or disrupted protein product. Loss-of-function variants in NF1 are known to be pathogenic (PMID: 10712197, 23913538). This variant is not present in population databases (gnomAD no frequency). This variant has not been reported in the literature in individuals affected with NF1-related conditions. For these reasons, this variant has been classified as Pathogenic.

Literature cited by the submitters: PubMed 10712197 (cited by Labcorp Genetics (formerly Invitae), Labcorp); PubMed 23913538 (cited by Labcorp Genetics (formerly Invitae), Labcorp).